The following is an entry in ClinVar:

ClinVar aggregate classification (germline): Uncertain significance (1 of 4 stars; one submission).

Conditions:
D-2-hydroxyglutaric aciduria 2 (D2HGA2). Identifiers: Orphanet 79315, MedGen C3150909, MONDO:0013345, OMIM 613657.

gnomAD v4.1: 1 of 1,614,156 alleles (0.000062%); highest among the groups gnomAD compares: Non-Finnish European, 0.000085%; no homozygotes.

Submissions (2):

Labcorp Genetics (formerly Invitae), Labcorp
Classification: Uncertain significance for D-2-hydroxyglutaric aciduria 2. Last evaluated: 2025-01-08. Review status: criteria provided, single submitter. Criteria: Invitae Variant Classification Sherloc (09022015). Collection method: clinical testing. Allele origin: germline.
Comment: This sequence change replaces glycine, which is neutral and non-polar, with arginine, which is basic and polar, at codon 85 of the IDH2 protein (p.Gly85Arg). This variant is present in population databases (no rsID available, gnomAD 0.003%). This variant has not been reported in the literature in individuals affected with IDH2-related conditions. Invitae Evidence Modeling of protein sequence and biophysical properties (such as structural, functional, and spatial information, amino acid conservation, physicochemical variation, residue mobility, and thermodynamic stability) has been performed for this missense variant. However, the output from this modeling did not meet the statistical confidence thresholds required to predict the impact of this variant on IDH2 protein function. Algorithms developed to predict the effect of sequence changes on RNA splicing suggest that this variant may create or strengthen a splice site. In summary, the available evidence is currently insufficient to determine the role of this variant in disease. Therefore, it has been classified as a Variant of Uncertain Significance.

Dr. Peter K. Rogan Lab, Western University
No classification provided (evidence only). Condition: Uterine corpus endometrial carcinoma. Review status: no classification provided. Collection method: in vitro. Allele origin: not applicable. Functional consequence: retained intron. Not counted in ClinVar's aggregate classification.

NM_002168.4(IDH2):c.253G>A (p.Gly85Arg)

Gene: IDH2 (isocitrate dehydrogenase (NADP(+)) 2; minus strand). Cytogenetic location: 15q26.1.
Variant type: single nucleotide variant.
Coding change: c.253G>A on transcript NM_002168.4 (MANE Select); coding-DNA position 253, G replaced by A.
Protein change: p.Gly85Arg; replaces glycine 85 with arginine.
Molecular consequence: missense variant. On other transcripts: intron variant (1).
Genome position (GRCh38, 1-based): chr15:90,090,599, C>T on the plus strand (G>A on the coding strand, the complement: IDH2 is on the minus strand). VCF-style: chr15-90090599-C-T. GRCh37 (hg19) VCF-style: chr15-90633831-C-T.
Other names: c.97G>A, p.Gly33Arg (NM_001289910.1); c.-17-1852G>A (NM_001290114.2); short protein forms G85R, G33R.
Identifiers: ClinVar variation 3687260 (VCV003687260.3).